The following is an entry in ClinVar:

NM_014921.5(ADGRL1):c.4189C>G (p.Pro1397Ala)

Genes: ADGRL1 (adhesion G protein-coupled receptor L1; minus strand), ADGRL1-AS1 (ADGRL1 antisense RNA 1; plus strand). Cytogenetic location: 19p13.12.
Variant type: single nucleotide variant.
Coding change: c.4189C>G on transcript NM_014921.5 (MANE Select); coding-DNA position 4189, C replaced by G.
Protein change: p.Pro1397Ala; replaces proline 1397 with alanine.
Molecular consequence: missense variant.
Genome position (GRCh38, 1-based): chr19:14,151,094, G>C on the plus strand (C>G on the coding strand, the complement: ADGRL1 is on the minus strand). VCF-style: chr19-14151094-G-C. GRCh37 (hg19) VCF-style: chr19-14261906-G-C.
Other names: c.4204C>G, p.Pro1402Ala (NM_001008701.3); short protein forms P1397A, P1402A.
Identifiers: ClinVar variation 3768119 (VCV003768119.1).
Genomic context (GRCh38, chr19:14,151,094, plus strand): 5'-TTTCGGGGGGGCCGGGGGGTGCGGGAGGGGGTGGGGGCAGGGCCTCACTGGGCCCCTCAG[G>C]GCTGCTGTCCGGGTAGGAGGGTGAGTCCCGCAGGTTGGCCCCGCTGGCATAGAGGGAGTC-3'
Protein context (NP_055736.2, residues 1387-1407): RDSPSYPDSS[Pro1397Ala]EGPSEALPPP

ClinVar aggregate classification (germline): Uncertain significance (1 of 4 stars; one submission).

Submission:

Women's Health and Genetics/Laboratory Corporation of America, LabCorp
Classification: Uncertain significance. Last evaluated: 2024-12-11. Review status: criteria provided, single submitter. Criteria: LabCorp Variant Classification Summary - May 2015. Collection method: clinical testing. Allele origin: germline.
Comment: Variant summary: ADGRL1 c.4204C>G (p.Pro1402Ala) results in a non-conservative amino acid change in the encoded protein sequence. Three of five in-silico tools predict a damaging effect of the variant on protein function. The variant was absent in 131462 control chromosomes. The available data on variant occurrences in the general population are insufficient to allow any conclusion about variant significance. To our knowledge, no occurrence of c.4204C>G in individuals affected with Developmental Delay, Behavioral Abnormalities, And Neuropsychiatric Disorders and no experimental evidence demonstrating its impact on protein function have been reported. No submitters have cited clinical-significance assessments for this variant to ClinVar. Based on the evidence outlined above, the variant was classified as uncertain significance.